The following is an entry in ClinVar:

ClinVar aggregate classification (germline): Uncertain significance (1 of 4 stars; one submission).

Conditions:
Inborn genetic diseases. Identifiers: MedGen C0950123, MeSH D030342.

gnomAD v4.1: 5 of 1,613,982 alleles (0.00031%); highest among the groups gnomAD compares: Non-Finnish European, 0.00042%; no homozygotes.

Submission:

Ambry Genetics
Classification: Uncertain significance for Inborn genetic diseases. Last evaluated: 2026-04-01. Review status: criteria provided, single submitter. Criteria: Ambry Variant Classification Scheme 2023. Collection method: clinical testing. Allele origin: germline.
Comment: The c.485G>T (p.C162F) alteration is located in exon 7 (coding exon 7) of the ATP2C1 gene. This alteration results from a G to T substitution at nucleotide position 485, causing the cysteine (C) at amino acid position 162 to be replaced by a phenylalanine (F). Based on data from gnomAD, the T allele has an overall frequency of 0.001% (2/251484) total alleles studied. The highest observed frequency was 0.002% (2/113764) of European (non-Finnish) alleles. Based on insufficient or conflicting evidence, the clinical significance of this alteration remains unclear.

NM_001378687.1(ATP2C1):c.485G>T (p.Cys162Phe)

Gene: ATP2C1 (ATPase secretory pathway Ca2+ transporting 1; plus strand). Cytogenetic location: 3q22.1.
Variant type: single nucleotide variant.
Coding change: c.485G>T on transcript NM_001378687.1 (MANE Select); coding-DNA position 485, G replaced by T.
Protein change: p.Cys162Phe; replaces cysteine 162 with phenylalanine.
Molecular consequence: missense variant.
Genome position (GRCh38, 1-based): chr3:130,941,653, G>T. VCF-style: chr3-130941653-G-T. GRCh37 (hg19) VCF-style: chr3-130660497-G-T.
Other names: c.485G>T, p.Cys162Phe (NM_001001485.3, NM_001001486.2, NM_001001487.2 and 5 more transcripts); c.587G>T, p.Cys196Phe (NM_001199180.2, NM_001199181.3, NM_001378511.1); c.470G>T, p.Cys157Phe (NM_001199182.2); c.437G>T, p.Cys146Phe (NM_001199183.2, NM_001199184.3, NM_001378514.1); short protein forms C146F, C157F, C162F, C196F.
Identifiers: ClinVar variation 4867153 (VCV004867153.1).